The following is an entry in ClinVar:

NM_025144.4(ALPK1):c.3400A>T (p.Ile1134Leu)

Gene: ALPK1 (alpha kinase 1; plus strand). Cytogenetic location: 4q25.
Variant type: single nucleotide variant.
Coding change: c.3400A>T on transcript NM_025144.4 (MANE Select); coding-DNA position 3400, A replaced by T.
Protein change: p.Ile1134Leu; replaces isoleucine 1134 with leucine.
Molecular consequence: missense variant.
Genome position (GRCh38, 1-based): chr4:112,439,734, A>T. VCF-style: chr4-112439734-A-T. GRCh37 (hg19) VCF-style: chr4-113360890-A-T.
Other names: c.3400A>T, p.Ile1134Leu (NM_001102406.2); c.3166A>T, p.Ile1056Leu (NM_001253884.2); c.3400A>T (NM_025144.3); short protein forms I1056L, I1134L.
Identifiers: ClinVar variation 2082610 (VCV002082610.7), dbSNP rs202180424, ClinGen allele CA3047177.
Genomic context (GRCh38, chr4:112,439,734, plus strand): 5'-GCTATTTTTCAGATTTTAGAGGACAAGACAATAAAGGGATGTATCAGTGTGGAGCCTTAC[A>T]TACTGGGAGAATTTGTAAAATTGTCAAATAACACGAAAGTGGTGAAAACAGAATACAAAG-3'
Protein context (NP_079420.3, residues 1124-1144): IKGCISVEPY[Ile1134Leu]LGEFVKLSNN

ClinVar aggregate classification (germline): Uncertain significance. Review status: criteria provided, multiple submitters, no conflicts (2 of 4 stars). 3 submissions from 3 submitters: Uncertain significance (3). Last evaluated 2025-04-16.

Conditions:
Inborn genetic diseases. Identifiers: MedGen C0950123, MeSH D030342.

Allele frequency attached by ClinVar (database versions not stated): ESP Exome Variant Server 0.00008.
gnomAD v4.1: 236 of 1,613,372 alleles (0.015%); highest among the groups gnomAD compares: Non-Finnish European, 0.019%; no homozygotes.

Submissions (3):

Women's Health and Genetics/Laboratory Corporation of America, LabCorp
Classification: Uncertain significance. Last evaluated: 2025-04-16. Review status: criteria provided, single submitter. Criteria: LabCorp Variant Classification Summary - May 2015. Collection method: clinical testing. Allele origin: germline.
Comment: Variant summary: ALPK1 c.3400A>T (p.Ile1134Leu) results in a conservative amino acid change located in the Alpha-type protein kinase, alpha-kinase domain (IPR004166) of the encoded protein sequence. Four of five in-silico tools predict a benign effect of the variant on protein function. The variant allele was found at a frequency of 1.6e-05 in 250676 control chromosomes. The available data on variant occurrences in the general population are insufficient to allow any conclusion about variant significance. To our knowledge, no occurrence of c.3400A>T in individuals affected with Retinal dystrophy, optic nerve edema, splenomegaly, anhidrosis, and migraine headache syndrome and no experimental evidence demonstrating its impact on protein function have been reported. ClinVar contains an entry for this variant (Variation ID: 2082610). Based on the evidence outlined above, the variant was classified as uncertain significance.

Ambry Genetics
Classification: Uncertain significance for Inborn genetic diseases. Last evaluated: 2025-01-08. Review status: criteria provided, single submitter. Criteria: Ambry Variant Classification Scheme 2023. Collection method: clinical testing. Allele origin: germline.

Labcorp Genetics (formerly Invitae), Labcorp
Classification: Uncertain significance. Last evaluated: 2024-09-08. Review status: criteria provided, single submitter. Criteria: Invitae Variant Classification Sherloc (09022015). Collection method: clinical testing. Allele origin: germline.
Comment: This sequence change replaces isoleucine, which is neutral and non-polar, with leucine, which is neutral and non-polar, at codon 1134 of the ALPK1 protein (p.Ile1134Leu). This variant is present in population databases (rs202180424, gnomAD 0.005%). This variant has not been reported in the literature in individuals affected with ALPK1-related conditions. ClinVar contains an entry for this variant (Variation ID: 2082610). An algorithm developed to predict the effect of missense changes on protein structure and function (PolyPhen-2) suggests that this variant is likely to be disruptive. In summary, the available evidence is currently insufficient to determine the role of this variant in disease. Therefore, it has been classified as a Variant of Uncertain Significance.